The following is an entry in ClinVar:

ClinVar aggregate classification (germline): Uncertain significance (1 of 4 stars; one submission).

Conditions:
DICER1-related tumor predisposition. Also called: DICER1-related pleuropulmonary blastoma cancer predisposition syndrome; DICER1 syndrome. Identifiers: Orphanet 284343, MedGen C3839822, MONDO:0100216.

Submission:

Labcorp Genetics (formerly Invitae), Labcorp
Classification: Uncertain significance for DICER1-related tumor predisposition. Last evaluated: 2024-05-01. Review status: criteria provided, single submitter. Criteria: Invitae Variant Classification Sherloc (09022015). Collection method: clinical testing. Allele origin: germline.
Comment: This sequence change replaces valine, which is neutral and non-polar, with isoleucine, which is neutral and non-polar, at codon 687 of the DICER1 protein (p.Val687Ile). This variant is not present in population databases (gnomAD no frequency). This variant has not been reported in the literature in individuals affected with DICER1-related conditions. Advanced modeling of protein sequence and biophysical properties (such as structural, functional, and spatial information, amino acid conservation, physicochemical variation, residue mobility, and thermodynamic stability) performed at Invitae indicates that this missense variant is not expected to disrupt DICER1 protein function with a negative predictive value of 80%. In summary, the available evidence is currently insufficient to determine the role of this variant in disease. Therefore, it has been classified as a Variant of Uncertain Significance.

NM_177438.3(DICER1):c.2059G>A (p.Val687Ile)

Gene: DICER1 (dicer 1, ribonuclease III; minus strand). Cytogenetic location: 14q32.13.
Variant type: single nucleotide variant.
Coding change: c.2059G>A on transcript NM_177438.3 (MANE Select); coding-DNA position 2059, G replaced by A.
Protein change: p.Val687Ile; replaces valine 687 with isoleucine.
Molecular consequence: missense variant. On other transcripts: non-coding transcript variant (6).
Genome position (GRCh38, 1-based): chr14:95,112,229, C>T on the plus strand (G>A on the coding strand, the complement: DICER1 is on the minus strand). VCF-style: chr14-95112229-C-T. GRCh37 (hg19) VCF-style: chr14-95578566-C-T.
Other names: c.2059G>A, p.Val687Ile (NM_001195573.1, NM_001271282.3, NM_001291628.2 and 13 more transcripts); c.1777G>A, p.Val593Ile (NM_001395686.1); c.1654G>A, p.Val552Ile (NM_001395687.1, NM_001395688.1, NM_001395689.1 and 3 more transcripts); c.1492G>A, p.Val498Ile (NM_001395691.1); c.376G>A, p.Val126Ile (NM_001395697.1); short protein forms V126I, V687I, V552I, V593I, V498I.
Identifiers: ClinVar variation 2863944 (VCV002863944.3), dbSNP rs2542931819, ClinGen allele CA390883108.